The following is an entry in ClinVar:

ClinVar aggregate classification (germline): Uncertain significance (1 of 4 stars; one submission).

Conditions:
Severe combined immunodeficiency, autosomal recessive, T cell-negative, B cell-negative, NK cell-negative, due to adenosine deaminase deficiency. Also called: Adenosine Deaminase Deficiency; ADA deficiency; Adenosine deaminase deficient severe combined immunodeficiency; Severe combined immunodeficiency due to ADA deficiency; ADA-SCID; SCID DUE TO ADA DEFICIENCY. Identifiers: Orphanet 277, MedGen C0392607, MONDO:0007064, OMIM 102700.

Allele frequency attached by ClinVar (database versions not stated): gnomAD exomes below 0.00001.

Submission:

Labcorp Genetics (formerly Invitae), Labcorp
Classification: Uncertain significance for Severe combined immunodeficiency, autosomal recessive, T cell-negative, B cell-negative, NK cell-negative, due to adenosine deaminase deficiency. Last evaluated: 2021-09-24. Review status: criteria provided, single submitter. Criteria: Invitae Variant Classification Sherloc (09022015). Collection method: clinical testing. Allele origin: germline.
Comment: This sequence change replaces cysteine with tryptophan at codon 75 of the ADA protein (p.Cys75Trp). The cysteine residue is weakly conserved and there is a large physicochemical difference between cysteine and tryptophan. This variant is not present in population databases (ExAC no frequency). This variant has not been reported in the literature in individuals with ADA-related conditions. Advanced modeling of protein sequence and biophysical properties (such as structural, functional, and spatial information, amino acid conservation, physicochemical variation, residue mobility, and thermodynamic stability) performed at Invitae indicates that this missense variant is expected to disrupt ADA protein function. In summary, the available evidence is currently insufficient to determine the role of this variant in disease. Therefore, it has been classified as a Variant of Uncertain Significance.

NM_000022.4(ADA):c.225C>G (p.Cys75Trp)

Gene: ADA (adenosine deaminase; minus strand). Cytogenetic location: 20q13.12.
Variant type: single nucleotide variant.
Coding change: c.225C>G on transcript NM_000022.4 (MANE Select); coding-DNA position 225, C replaced by G.
Protein change: p.Cys75Trp; replaces cysteine 75 with tryptophan.
Molecular consequence: missense variant. On other transcripts: 5 prime UTR variant (1), non-coding transcript variant (1).
Genome position (GRCh38, 1-based): chr20:44,626,593, G>C on the plus strand (C>G on the coding strand, the complement: ADA is on the minus strand). VCF-style: chr20-44626593-G-C. GRCh37 (hg19) VCF-style: chr20-43255234-G-C.
Other names: c.-65C>G (NM_001322050.2); c.225C>G, p.Cys75Trp (NM_001322051.2); short protein forms C75W.
Identifiers: ClinVar variation 1492258 (VCV001492258.5), dbSNP rs2065384997, ClinGen allele CA409121552.
Genomic context (GRCh38, chr20:44,626,593, plus strand): 5'-CACGCCCTCTTTGGCCTTCATCTCTACAAACTCATAGGCGATCCTTTTGATAGCCTCCCG[G>C]CAGCCCCTGGGAAGGGAAGAAAGGGGTTGGGAACAACCTTCCCCAAGTCCCTTGGGAGCT-3'
Protein context (NP_000013.2, residues 65-85): FDYYMPAIAG[Cys75Trp]REAIKRIAYE